The following is an entry in ClinVar:

NM_198253.3(TERT):c.669G>C (p.Arg223Ser)

Gene: TERT (telomerase reverse transcriptase; minus strand). Cytogenetic location: 5p15.33.
Variant type: single nucleotide variant.
Coding change: c.669G>C on transcript NM_198253.3 (MANE Select); coding-DNA position 669, G replaced by C.
Protein change: p.Arg223Ser; replaces arginine 223 with serine.
Molecular consequence: missense variant. On other transcripts: non-coding transcript variant (2).
Genome position (GRCh38, 1-based): chr5:1,294,217, C>G on the plus strand (G>C on the coding strand, the complement: TERT is on the minus strand). VCF-style: chr5-1294217-C-G. GRCh37 (hg19) VCF-style: chr5-1294332-C-G.
Other names: c.669G>C, p.Arg223Ser (NM_001193376.3); short protein forms R223S.
Identifiers: ClinVar variation 3967342 (VCV003967342.1).

ClinVar aggregate classification (germline): Uncertain significance (1 of 4 stars; one submission).

Conditions:
Dyskeratosis congenita. Identifiers: Orphanet 1775, MedGen C0265965, MONDO:0015780.

Submission:

Ambry Genetics
Classification: Uncertain significance for Dyskeratosis congenita. Last evaluated: 2025-04-03. Review status: criteria provided, single submitter. Criteria: Ambry Variant Classification Scheme 2023. Collection method: clinical testing. Allele origin: germline.
Comment: The p.R223S variant (also known as c.669G>C), located in coding exon 2 of the TERT gene, results from a G to C substitution at nucleotide position 669. The arginine at codon 223 is replaced by serine, an amino acid with dissimilar properties. This amino acid position is conserved. In addition, the in silico prediction for this alteration is inconclusive. Based on the available evidence, the clinical significance of this variant remains unclear.